The following is an entry in ClinVar:

NM_005502.4(ABCA1):c.3281C>T (p.Ala1094Val)

Gene: ABCA1 (ATP binding cassette subfamily A member 1; minus strand). Cytogenetic location: 9q31.1.
Variant type: single nucleotide variant.
Coding change: c.3281C>T on transcript NM_005502.4 (MANE Select); coding-DNA position 3281, C replaced by T.
Protein change: p.Ala1094Val; replaces alanine 1094 with valine.
Molecular consequence: missense variant.
Genome position (GRCh38, 1-based): chr9:104,818,844, G>A on the plus strand (C>T on the coding strand, the complement: ABCA1 is on the minus strand). VCF-style: chr9-104818844-G-A. GRCh37 (hg19) VCF-style: chr9-107581125-G-A.
Other names: short protein forms A1094V.
Identifiers: ClinVar variation 2574231 (VCV002574231.1), dbSNP rs1211257538, ClinGen allele CA374318992.
Genomic context (GRCh38, chr9:104,818,844, plus strand): 5'-GAGCCCACACAGCACAGCTTCCCATGGGAGATGATGGCAATCCTGTCCCCCAGGACGTCC[G>A]CTTCATCCATGTGGTGTGTAGAGAGAATAATGGTGCGGCCTGCCAGGCACAAACACAAGG-3'
Protein context (NP_005493.2, residues 1084-1104): IILSTHHMDE[Ala1094Val]DVLGDRIAII

ClinVar aggregate classification (germline): Uncertain significance (1 of 4 stars; one submission).

Allele frequency attached by ClinVar (database versions not stated): gnomAD exomes below 0.00001; gnomAD 0.00001.
gnomAD v4.1: 4 of 1,613,774 alleles (0.00025%); highest among the groups gnomAD compares: Admixed American, 0.0017%; no homozygotes.

Submission:

GeneDx
Classification: Uncertain significance. Last evaluated: 2023-01-20. Review status: criteria provided, single submitter. Criteria: GeneDx Variant Classification Process June 2021. Collection method: clinical testing. Allele origin: germline. Affected: yes.
Comment: In silico analysis supports that this missense variant has a deleterious effect on protein structure/function; Has not been previously published as pathogenic or benign to our knowledge